The following is an entry in ClinVar:

ClinVar aggregate classification (germline): Uncertain significance (1 of 4 stars; one submission).

Conditions:
Cardiovascular phenotype. Identifiers: MedGen CN230736.

Submission:

Ambry Genetics
Classification: Uncertain significance for Cardiovascular phenotype. Last evaluated: 2018-12-31. Review status: criteria provided, single submitter. Criteria: Ambry Variant Classification Scheme 2023. Collection method: clinical testing. Allele origin: germline.
Comment: The c.734dupG variant, located in coding exon 6 of the TRPM4 gene, results from a duplication of G at nucleotide position 734, causing a translational frameshift with a predicted alternate stop codon (p.E246Rfs*25). This alteration is expected to result in loss of function by premature protein truncation or nonsense-mediated mRNA decay. However, loss of function of TRPM4 has not been clearly established as a mechanism of disease. Since supporting evidence is limited at this time, the clinical significance of this alteration remains unclear.

NM_017636.4(TRPM4):c.734dup (p.Glu246fs)

Gene: TRPM4 (transient receptor potential cation channel subfamily M member 4; plus strand). Cytogenetic location: 19q13.33.
Variant type: Duplication.
Coding change: c.734dup on transcript NM_017636.4 (MANE Select); coding-DNA position 734, one base duplicated (G; older notation c.734dupG).
Protein change: p.Glu246fs; shifts the reading frame from glutamic acid 246.
Molecular consequence: frameshift variant. On other transcripts: 5 prime UTR variant (2).
Genome position (GRCh38, 1-based): chr19:49,168,674, G duplicated; the last of 6 consecutive G bases (chr19:49,168,669-49,168,674); duplicating any one gives the same sequence. VCF-style (leftmost placement, unchanged base first): chr19-49168668-T-TG. GRCh37 (hg19) VCF-style: chr19-49671925-T-TG.
Other names: c.734dup, p.Glu246fs (NM_001195227.2); c.389dup, p.Glu131fs (NM_001321281.2); c.-820dup (NM_001321282.2); c.212dup, p.Glu72fs (NM_001321283.2); c.-116dup (NM_001321285.2); short protein forms E72fs, E131fs, E246fs.
Identifiers: ClinVar variation 1758444 (VCV001758444.2), dbSNP rs1254713847, ClinGen allele CA883079004.